The following is an entry in ClinVar:

NM_000059.4(BRCA2):c.9759T>A (p.Cys3253Ter)

Gene: BRCA2 (BRCA2 DNA repair associated; plus strand). Cytogenetic location: 13q13.1.
Variant type: single nucleotide variant.
Coding change: c.9759T>A on transcript NM_000059.4 (MANE Select); coding-DNA position 9759, T replaced by A.
Protein change: p.Cys3253Ter; replaces cysteine 3253 with a stop codon.
Molecular consequence: nonsense. On other transcripts: non-coding transcript variant (1).
Genome position (GRCh38, 1-based): chr13:32,398,272, T>A. VCF-style: chr13-32398272-T-A. GRCh37 (hg19) VCF-style: chr13-32972409-T-A.
Other names: c.9663T>A, p.Cys3221Ter (NM_001406719.1); c.9708T>A, p.Cys3236Ter (NM_001406720.1); c.4827T>A, p.Cys1609Ter (NM_001406721.1); c.3342T>A, p.Cys1114Ter (NM_001406722.1); short protein forms C1114*, C1609*, C3221*, C3236*, C3253*.
Identifiers: ClinVar variation 3073591 (VCV003073591.2), dbSNP rs1377745229, ClinGen allele CA387765736.

ClinVar aggregate classification (germline): Pathogenic/Likely pathogenic. Review status: criteria provided, multiple submitters, no conflicts (2 of 4 stars). 2 submissions from 2 submitters: Pathogenic (1); Likely pathogenic (1). Last evaluated 2025-12-09.

Conditions:
Breast-ovarian cancer, familial, susceptibility to, 2 (BROVCA2). Also called: BRCA2 Hereditary Breast and Ovarian Cancer. Identifiers: Orphanet 145, MedGen C2675520, MONDO:0012933, OMIM 612555. Disease mechanism: loss of function.
Hereditary cancer-predisposing syndrome. Also called: Hereditary neoplastic syndrome; Neoplastic Syndromes, Hereditary; Tumor predisposition; Hereditary Cancer Syndrome. Identifiers: Orphanet 140162, MedGen C0027672, MeSH D009386, MONDO:0015356.

Submissions (2):

Ambry Genetics
Classification: Pathogenic for Hereditary cancer-predisposing syndrome. Last evaluated: 2025-12-09. Review status: criteria provided, single submitter. Criteria: Ambry Variant Classification Scheme 2023. Collection method: clinical testing. Allele origin: germline.
Comment: The p.C3253* variant (also known as c.9759T>A), located in coding exon 26 of the BRCA2 gene, results from a T to A substitution at nucleotide position 9759. This changes the amino acid from a cysteine to a stop codon within coding exon 26. This variant is considered to be rare based on population cohorts in the Genome Aggregation Database (gnomAD). This alteration is expected to result in loss of function by premature protein truncation or nonsense-mediated mRNA decay. As such, this alteration is interpreted as a disease-causing mutation.

All of Us Research Program, National Institutes of Health
Classification: Likely pathogenic for Breast-ovarian cancer, familial, susceptibility to, 2. Last evaluated: 2023-10-02. Review status: criteria provided, single submitter. Criteria: ACMG Guidelines, 2015. Collection method: clinical testing. Allele origin: germline. Inheritance: Autosomal dominant inheritance. Observed: 1 variant allele, 1 heterozygote.
Comment: This variant changes 1 nucleotide in exon 27 of the BRCA2 gene, creating a premature translation stop signal in the last coding exon. Although this variant is not predicted to trigger nonsense-mediated decay, it causes the partial loss of the RAD51 binding domain (PMID: 9126738, 9192668) and the nuclear localization signals (PMID: 10570174) and is expected to result in a non-functional protein product. To our knowledge, this variant has not been reported in individuals affected with BRCA2-related disorders in the literature. This variant has not been identified in the general population by the Genome Aggregation Database (gnomAD). Loss of BRCA2 function is a known mechanism of disease. Based on the available evidence, this variant is classified as Likely Pathogenic.

This study involves interpretation of variants in research participants for the purpose of population health screening. Participant phenotype was not available at the time of variant classification. Additional details can be found in publication PMID: 35346344, PMCID: PMC8962531

Literature cited by the submitters: PubMed 9126738 (cited by All of Us Research Program, National Institutes of Health); PubMed 9192668 (cited by All of Us Research Program, National Institutes of Health); PubMed 10570174 (cited by All of Us Research Program, National Institutes of Health).